The following is an entry in ClinVar:

ClinVar aggregate classification (germline): Benign/Likely benign. Review status: criteria provided, multiple submitters, no conflicts (2 of 4 stars). 4 submissions from 4 submitters: Benign (2); Likely benign (2). Last evaluated 2026-02-04.

Conditions:
Glycine encephalopathy. Also called: Nonketotic hyperglycinemia; Non-ketotic hyperglycinemia. Identifiers: Orphanet 407, MedGen C0751748, MONDO:0011612, HP:0008288.

Allele frequency attached by ClinVar (database versions not stated): gnomAD 0.00051 and 0.00074; gnomAD exomes 0.00060 and 0.00216; TOPMed 0.00082; ExAC 0.00217; 1000 Genomes Project 30x 0.00359; 1000 Genomes Project 0.00419.
gnomAD v4.1: 989 of 1,611,838 alleles (0.061%); highest among the groups gnomAD compares: East Asian, 2.1%; 14 homozygotes.

Submissions (4):

Labcorp Genetics (formerly Invitae), Labcorp
Classification: Benign for Glycine encephalopathy. Last evaluated: 2026-02-04. Review status: criteria provided, single submitter. Criteria: Invitae Variant Classification Sherloc (09022015). Collection method: clinical testing. Allele origin: germline.

GeneDx
Classification: Likely benign. Last evaluated: 2018-08-03. Review status: criteria provided, single submitter. Criteria: GeneDx Variant Classification Process June 2021. Collection method: clinical testing. Allele origin: germline. Affected: yes.

Illumina Laboratory Services, Illumina
Classification: Benign for Glycine encephalopathy 1. Last evaluated: 2018-01-12. Review status: criteria provided, single submitter. Criteria: ICSL Variant Classification Criteria 13 December 2019. Collection method: clinical testing. Allele origin: germline.
Comment: This variant was observed in the ICSL laboratory as part of a predisposition screen in an ostensibly healthy population. It had not been previously curated by ICSL or reported in the Human Gene Mutation Database (HGMD: prior to June 1st, 2018), and was therefore a candidate for classification through an automated scoring system. Utilizing variant allele frequency, disease prevalence and penetrance estimates, and inheritance mode, an automated score was calculated to assess if this variant is too frequent to cause the disease. Based on the score and internal cut-off values, a variant classified as benign is not then subjected to further curation. The score for this variant resulted in a classification of benign for this disease.

Breakthrough Genomics
Classification: Likely benign. Review status: criteria provided, single submitter. Criteria: ACMG Guidelines, 2015. Collection method: not provided. Allele origin: germline. Inheritance: Autosomal recessive inheritance. Affected: yes.

NM_000170.3(GLDC):c.470+11T>C

Gene: GLDC (glycine decarboxylase; minus strand). Cytogenetic location: 9p24.1.
Variant type: single nucleotide variant.
Coding change: c.470+11T>C on transcript NM_000170.3 (MANE Select); 11 bases into the intron after coding-DNA position 470, T replaced by C.
Molecular consequence: intron variant.
Genome position (GRCh38, 1-based): chr9:6,620,173, A>G on the plus strand (T>C on the coding strand, the complement: GLDC is on the minus strand). VCF-style: chr9-6620173-A-G. GRCh37 (hg19) VCF-style: chr9-6620173-A-G.
Identifiers: ClinVar variation 367203 (VCV000367203.21), dbSNP rs142534180, ClinGen allele CA4981147.
Genomic context (GRCh38, chr9:6,620,173, plus strand): 5'-GGGACAGATGGAGGATGGAGAGAATTATGCAAATCACAGTCATCCTGTTCCTGAACTGAG[A>G]AATACATTACCATCCTGAGTTCTCCAGTAAGTTCCGCAAAATCGTCTGTGGCACTGAGCA-3'